The following is an entry in ClinVar:

NM_206933.4(USH2A):c.5120A>G (p.Glu1707Gly)

Genes: USH2A (usherin; minus strand), USH2A-AS2 (USH2A antisense RNA 2; plus strand). Cytogenetic location: 1q41.
Variant type: single nucleotide variant.
Coding change: c.5120A>G on transcript NM_206933.4 (MANE Select); coding-DNA position 5120, A replaced by G.
Protein change: p.Glu1707Gly; replaces glutamic acid 1707 with glycine.
Molecular consequence: missense variant.
Genome position (GRCh38, 1-based): chr1:216,084,745, T>C on the plus strand (A>G on the coding strand, the complement: USH2A is on the minus strand). VCF-style: chr1-216084745-T-C. GRCh37 (hg19) VCF-style: chr1-216258087-T-C.
Other names: short protein forms E1707G.
Identifiers: ClinVar variation 844493 (VCV000844493.9), dbSNP rs2032069724, ClinGen allele CA344858867.
Genomic context (GRCh38, chr1:216,084,745, plus strand): 5'-TTTAGAGCATTACCTGCTCCTAGGAACTGAGCTCCCTCATTTAATGAAGCGGGACATCCC[T>C]CCCAGCTGTTATACACGTTGATTTGTTCTTCAGAACTCTGCCAATCCAGAGGTTCCCAAA-3'
Protein context (NP_996816.3, residues 1697-1717): EEQINVYNSW[Glu1707Gly]GCPASLNEGA

ClinVar aggregate classification (germline): Uncertain significance (1 of 4 stars; one submission).

Allele frequency attached by ClinVar (database versions not stated): gnomAD exomes below 0.00001.
gnomAD v4.1: 1 of 1,613,426 alleles (0.000062%); highest among the groups gnomAD compares: Non-Finnish European, 0.000085%; no homozygotes.

Submission:

Labcorp Genetics (formerly Invitae), Labcorp
Classification: Uncertain significance. Last evaluated: 2022-07-06. Review status: criteria provided, single submitter. Criteria: Invitae Variant Classification Sherloc (09022015). Collection method: clinical testing. Allele origin: germline.
Comment: In summary, the available evidence is currently insufficient to determine the role of this variant in disease. Therefore, it has been classified as a Variant of Uncertain Significance. Algorithms developed to predict the effect of missense changes on protein structure and function (SIFT, PolyPhen-2, Align-GVGD) all suggest that this variant is likely to be disruptive. ClinVar contains an entry for this variant (Variation ID: 844493). This variant has not been reported in the literature in individuals affected with USH2A-related conditions. This variant is not present in population databases (gnomAD no frequency). This sequence change replaces glutamic acid, which is acidic and polar, with glycine, which is neutral and non-polar, at codon 1707 of the USH2A protein (p.Glu1707Gly).